The following is an entry in ClinVar:

NM_015102.5(NPHP4):c.3231+4C>T

Gene: NPHP4 (nephrocystin 4; minus strand). Cytogenetic location: 1p36.31.
Variant type: single nucleotide variant.
Coding change: c.3231+4C>T on transcript NM_015102.5 (MANE Select); 4 bases into the intron after coding-DNA position 3231, C replaced by T.
Molecular consequence: intron variant.
Genome position (GRCh38, 1-based): chr1:5,874,467, G>A on the plus strand (C>T on the coding strand, the complement: NPHP4 is on the minus strand). VCF-style: chr1-5874467-G-A. GRCh37 (hg19) VCF-style: chr1-5934527-G-A.
Other names: c.1695+4C>T (NM_001291594.2); c.1692+4C>T (NM_001291593.2).
Identifiers: ClinVar variation 2071643 (VCV002071643.6), dbSNP rs754466183, ClinGen allele CA553760.

ClinVar aggregate classification (germline): Uncertain significance. Review status: criteria provided, multiple submitters, no conflicts (2 of 4 stars). 3 submissions from 3 submitters: Uncertain significance (3). Last evaluated 2025-12-08.

Conditions:
Nephronophthisis. Also called: Juvenile Nephronophthisis. Identifiers: Orphanet 655, MedGen C0687120, MONDO:0019005, HP:0000090.
Nephronophthisis 4 (NPHP4). Also called: NEPHRONOPHTHISIS 4, JUVENILE. Identifiers: Orphanet 655, MedGen C1847013, MONDO:0011752, OMIM 606966.
Senior-Loken syndrome 4 (SLSN4). Identifiers: Orphanet 3156, MedGen C1846979, MONDO:0011756, OMIM 606996.

Allele frequency attached by ClinVar (database versions not stated): gnomAD 0.00001; TOPMed 0.00003; ExAC 0.00012.

Submissions (3):

Labcorp Genetics (formerly Invitae), Labcorp
Classification: Uncertain significance for Nephronophthisis. Last evaluated: 2025-12-08. Review status: criteria provided, single submitter. Criteria: Invitae Variant Classification Sherloc (09022015). Collection method: clinical testing. Allele origin: germline.
Comment: This sequence change falls in intron 22 of the NPHP4 gene. It does not directly change the encoded amino acid sequence of the NPHP4 protein. It affects a nucleotide within the consensus splice site. The frequency data for this variant in the population databases is considered unreliable, as metrics indicate poor data quality at this position in the gnomAD database. This variant has not been reported in the literature in individuals affected with NPHP4-related conditions. ClinVar contains an entry for this variant (Variation ID: 2071643). Variants that disrupt the consensus splice site are a relatively common cause of aberrant splicing (PMID: 17576681, 9536098). Algorithms developed to predict the effect of sequence changes on RNA splicing suggest that this variant may disrupt the consensus splice site. In summary, the available evidence is currently insufficient to determine the role of this variant in disease. Therefore, it has been classified as a Variant of Uncertain Significance.

Blueprint Genetics
Classification: Uncertain significance. Last evaluated: 2024-08-28. Review status: criteria provided, single submitter. Criteria: ACMG Guidelines, 2015. Collection method: clinical testing. Allele origin: germline.

Fulgent Genetics
Classification: Uncertain significance for Nephronophthisis 4; Senior-Loken syndrome 4. Last evaluated: 2023-12-29. Review status: criteria provided, single submitter. Criteria: ACMG Guidelines, 2015. Collection method: clinical testing. Allele origin: germline.

Literature cited by the submitters: PubMed 17576681 (cited by Labcorp Genetics (formerly Invitae), Labcorp); PubMed 9536098 (cited by Labcorp Genetics (formerly Invitae), Labcorp).